The following is an entry in ClinVar:

ClinVar aggregate classification (germline): Uncertain significance (1 of 4 stars; one submission).

Allele frequency attached by ClinVar (database versions not stated): TOPMed below 0.00001; ExAC 0.00002; gnomAD exomes 0.00002.

Submission:

Labcorp Genetics (formerly Invitae), Labcorp
Classification: Uncertain significance. Last evaluated: 2021-07-12. Review status: criteria provided, single submitter. Criteria: Invitae Variant Classification Sherloc (09022015). Collection method: clinical testing. Allele origin: germline.
Comment: This sequence change replaces alanine with aspartic acid at codon 651 of the TUBGCP6 protein (p.Ala651Asp). The alanine residue is moderately conserved and there is a moderate physicochemical difference between alanine and aspartic acid. This variant is present in population databases (rs768027726, ExAC 0.003%). This variant has not been reported in the literature in individuals with TUBGCP6-related conditions. Algorithms developed to predict the effect of missense changes on protein structure and function are either unavailable or do not agree on the potential impact of this missense change (SIFT: "Tolerated"; PolyPhen-2: "Probably Damaging"; Align-GVGD: "Class C0"). In summary, the available evidence is currently insufficient to determine the role of this variant in disease. Therefore, it has been classified as a Variant of Uncertain Significance.

NM_020461.4(TUBGCP6):c.1952C>A (p.Ala651Asp)

Gene: TUBGCP6 (tubulin gamma complex component 6; minus strand). Cytogenetic location: 22q13.33.
Variant type: single nucleotide variant.
Coding change: c.1952C>A on transcript NM_020461.4 (MANE Select); coding-DNA position 1952, C replaced by A.
Protein change: p.Ala651Asp; replaces alanine 651 with aspartic acid.
Molecular consequence: missense variant.
Genome position (GRCh38, 1-based): chr22:50,225,825, G>T on the plus strand (C>A on the coding strand, the complement: TUBGCP6 is on the minus strand). VCF-style: chr22-50225825-G-T. GRCh37 (hg19) VCF-style: chr22-50664254-G-T.
Other names: short protein forms A651D.
Identifiers: ClinVar variation 843898 (VCV000843898.10), dbSNP rs768027726, ClinGen allele CA10308439.